The following is an entry in ClinVar:

ClinVar aggregate classification (germline): Uncertain significance. Review status: criteria provided, multiple submitters, no conflicts (2 of 4 stars). 3 submissions from 3 submitters: Uncertain significance (2). 1 of the submissions does not count toward it. Last evaluated 2023-12-08.

Conditions:
Hereditary cancer-predisposing syndrome. Also called: Hereditary Cancer Syndrome; Neoplastic Syndromes, Hereditary; Hereditary neoplastic syndrome; Tumor predisposition. Identifiers: Orphanet 140162, MedGen C0027672, MeSH D009386, MONDO:0015356.
Microcephaly, normal intelligence and immunodeficiency (NBS). Also called: Nijmegen breakage syndrome; Microcephaly with normal intelligence immunodeficiency and lymphoreticular malignancies; Nonsyndromal microcephaly autosomal recessive with normal intelligence; Seemanova syndrome 2; Immunodeficiency, microcephaly with normal intelligence; Ataxia telangiectasia variant V1. Identifiers: Orphanet 647, MedGen C0398791, MONDO:0009623, OMIM 251260.

Submissions (3):

Labcorp Genetics (formerly Invitae), Labcorp
Classification: Uncertain significance for Microcephaly, normal intelligence and immunodeficiency. Last evaluated: 2023-12-08. Review status: criteria provided, single submitter. Criteria: Invitae Variant Classification Sherloc (09022015). Collection method: clinical testing. Allele origin: germline.
Comment: This sequence change replaces methionine, which is neutral and non-polar, with isoleucine, which is neutral and non-polar, at codon 317 of the NBN protein (p.Met317Ile). This variant is not present in population databases (gnomAD no frequency). This variant has not been reported in the literature in individuals affected with NBN-related conditions. ClinVar contains an entry for this variant (Variation ID: 823307). Algorithms developed to predict the effect of missense changes on protein structure and function output the following: SIFT: "Not Available"; PolyPhen-2: "Benign"; Align-GVGD: "Not Available". The isoleucine amino acid residue is found in multiple mammalian species, which suggests that this missense change does not adversely affect protein function. In summary, the available evidence is currently insufficient to determine the role of this variant in disease. Therefore, it has been classified as a Variant of Uncertain Significance.

Ambry Genetics
Classification: Uncertain significance for Hereditary cancer-predisposing syndrome. Last evaluated: 2022-06-20. Review status: criteria provided, single submitter. Criteria: Ambry Variant Classification Scheme 2023. Collection method: clinical testing. Allele origin: germline.
Comment: The p.M317I variant (also known as c.951G>A), located in coding exon 8 of the NBN gene, results from a G to A substitution at nucleotide position 951. The methionine at codon 317 is replaced by isoleucine, an amino acid with highly similar properties. This amino acid position is well conserved in available vertebrate species. In addition, this alteration is predicted to be tolerated by in silico analysis. Since supporting evidence is limited at this time, the clinical significance of this alteration remains unclear.

Natera, Inc.
Classification: Uncertain significance for Nijmegen breakage syndrome. Last evaluated: 2020-09-17. Review status: no assertion criteria provided. Collection method: clinical testing. Allele origin: germline. Not counted in ClinVar's aggregate classification.

NM_002485.5(NBN):c.951G>A (p.Met317Ile)

Gene: NBN (nibrin; minus strand). Cytogenetic location: 8q21.3.
Variant type: single nucleotide variant.
Coding change: c.951G>A on transcript NM_002485.5 (MANE Select); coding-DNA position 951, G replaced by A.
Protein change: p.Met317Ile; replaces methionine 317 with isoleucine.
Molecular consequence: missense variant.
Genome position (GRCh38, 1-based): chr8:89,964,453, C>T on the plus strand (G>A on the coding strand, the complement: NBN is on the minus strand). VCF-style: chr8-89964453-C-T. GRCh37 (hg19) VCF-style: chr8-90976681-C-T.
Other names: c.705G>A, p.Met235Ile (NM_001024688.3); short protein forms M235I, M317I.
Identifiers: ClinVar variation 823307 (VCV000823307.8), dbSNP rs1586075972, ClinGen allele CA371656974.